The following is an entry in ClinVar:

ClinVar aggregate classification (germline): Uncertain significance (1 of 4 stars; one submission).

Conditions:
Cardiovascular phenotype. Identifiers: MedGen CN230736.

Allele frequency attached by ClinVar (database versions not stated): TOPMed below 0.00001; gnomAD 0.00001.
gnomAD v4.1: 2 of 1,613,830 alleles (0.00012%); highest among the groups gnomAD compares: African/African-American, 0.0027%; no homozygotes.

Submission:

Ambry Genetics
Classification: Uncertain significance for Cardiovascular phenotype. Last evaluated: 2022-04-19. Review status: criteria provided, single submitter. Criteria: Ambry Variant Classification Scheme 2023. Collection method: clinical testing. Allele origin: germline.
Comment: The p.L597R variant (also known as c.1790T>G), located in coding exon 17 of the ANK2 gene, results from a T to G substitution at nucleotide position 1790. The leucine at codon 597 is replaced by arginine, an amino acid with dissimilar properties. This amino acid position is conserved. In addition, this alteration is predicted to be deleterious by in silico analysis. Since supporting evidence is limited at this time, the clinical significance of this alteration remains unclear.

NM_001148.6(ANK2):c.1790T>G (p.Leu597Arg)

Gene: ANK2 (ankyrin 2; plus strand). Cytogenetic location: 4q26.
Variant type: single nucleotide variant.
Coding change: c.1790T>G on transcript NM_001148.6 (MANE Select); coding-DNA position 1790, T replaced by G.
Protein change: p.Leu597Arg; replaces leucine 597 with arginine.
Molecular consequence: missense variant. On other transcripts: intron variant (10).
Genome position (GRCh38, 1-based): chr4:113,278,467, T>G. VCF-style: chr4-113278467-T-G. GRCh37 (hg19) VCF-style: chr4-114199623-T-G.
Other names: c.1727T>G, p.Leu576Arg (NM_001127493.3, NM_001354239.2, NM_001354243.2 and 10 more transcripts); c.1790T>G, p.Leu597Arg (NM_001354225.2, NM_001354228.2, NM_001354232.2 and 6 more transcripts); c.1835T>G, p.Leu612Arg (NM_001354230.2, NM_001354231.2, NM_001354237.2 and 5 more transcripts); c.1703T>G, p.Leu568Arg (NM_001354249.2, NM_001354264.2, NM_001354266.2 and 10 more transcripts); c.1748T>G, p.Leu583Arg (NM_001354261.2, NM_001386147.1, NM_001386160.1); c.1580T>G, p.Leu527Arg (NM_001354269.3); c.1592T>G, p.Leu531Arg (NM_001354273.2); c.1505T>G, p.Leu502Arg (NM_001354277.2, NM_001386157.1); and 8 more; short protein forms L502R, L576R, L593R, L597R, L606R, L527R, L531R, L568R.
Identifiers: ClinVar variation 1780188 (VCV001780188.3), dbSNP rs1187475211, ClinGen allele CA357911786.